The following is an entry in ClinVar:

ClinVar aggregate classification (germline): Uncertain significance (1 of 4 stars; one submission).

Conditions:
Oto-palato-digital syndrome, type II (OPD2). Also called: Otopalatodigital Syndrome Type 2 (FLNA-OPD2); Otopalatodigital Syndrome, Type II; FACIOPALATOOSSEOUS SYNDROME; OPD II SYNDROME. Identifiers: Orphanet 669, Orphanet 90652, MedGen C1844696, MONDO:0010571, OMIM 304120.
Frontometaphyseal dysplasia (FMD1). Identifiers: Orphanet 1826, MedGen C0265293, MONDO:0015942.
Melnick-Needles syndrome (MNS). Also called: Melnick-Needles Syndrome (FLNA-MNS); MELNICK-NEEDLES OSTEODYSPLASTY; OSTEODYSPLASTY OF MELNICK AND NEEDLES. Identifiers: Orphanet 2484, MedGen C0025237, MONDO:0010650, OMIM 309350.
Heterotopia, periventricular, X-linked dominant (PVNH1). Also called: PERIVENTRICULAR NODULAR HETEROTOPIA 4; HETEROTOPIA, PERIVENTRICULAR, 1; X-linked periventricular heterotopia; PERIVENTRICULAR NODULAR HETEROTOPIA 1. Identifiers: Orphanet 2149, Orphanet 82004, MedGen C1848213, MONDO:0010233, OMIM 300049.

Submission:

Labcorp Genetics (formerly Invitae), Labcorp
Classification: Uncertain significance for Oto-palato-digital syndrome, type II; Heterotopia, periventricular, X-linked dominant; Frontometaphyseal dysplasia; Melnick-Needles syndrome. Last evaluated: 2022-09-02. Review status: criteria provided, single submitter. Criteria: Invitae Variant Classification Sherloc (09022015). Collection method: clinical testing. Allele origin: germline.
Comment: In summary, the available evidence is currently insufficient to determine the role of this variant in disease. Therefore, it has been classified as a Variant of Uncertain Significance. Advanced modeling of protein sequence and biophysical properties (such as structural, functional, and spatial information, amino acid conservation, physicochemical variation, residue mobility, and thermodynamic stability) performed at Invitae indicates that this missense variant is not expected to disrupt FLNA protein function. This variant has not been reported in the literature in individuals affected with FLNA-related conditions. This variant is not present in population databases (gnomAD no frequency). This sequence change replaces glycine, which is neutral and non-polar, with cysteine, which is neutral and slightly polar, at codon 1389 of the FLNA protein (p.Gly1389Cys).

NM_001110556.2(FLNA):c.4165G>T (p.Gly1389Cys)

Gene: FLNA (filamin A; minus strand). Cytogenetic location: Xq28.
Variant type: single nucleotide variant.
Coding change: c.4165G>T on transcript NM_001110556.2 (MANE Select); coding-DNA position 4165, G replaced by T.
Protein change: p.Gly1389Cys; replaces glycine 1389 with cysteine.
Molecular consequence: missense variant.
Genome position (GRCh38, 1-based): chrX:154,359,384, C>A on the plus strand (G>T on the coding strand, the complement: FLNA is on the minus strand). VCF-style: chrX-154359384-C-A. GRCh37 (hg19) VCF-style: chrX-153587752-C-A.
Other names: c.4165G>T, p.Gly1389Cys (NM_001456.4); short protein forms G1389C.
Identifiers: ClinVar variation 2139202 (VCV002139202.4), dbSNP rs2522738249, ClinGen allele CA415218909.